The following is an entry in ClinVar:

NM_024782.3(NHEJ1):c.108G>C (p.Leu36Phe)

Gene: NHEJ1 (non-homologous end joining factor 1; minus strand). Cytogenetic location: 2q35.
Variant type: single nucleotide variant.
Coding change: c.108G>C on transcript NM_024782.3 (MANE Select); coding-DNA position 108, G replaced by C.
Protein change: p.Leu36Phe; replaces leucine 36 with phenylalanine.
Molecular consequence: missense variant. On other transcripts: non-coding transcript variant (1).
Genome position (GRCh38, 1-based): chr2:219,158,255, C>G on the plus strand (G>C on the coding strand, the complement: NHEJ1 is on the minus strand). VCF-style: chr2-219158255-C-G. GRCh37 (hg19) VCF-style: chr2-220022977-C-G.
Other names: c.108G>C, p.Leu36Phe (NM_001377498.1, NM_001377499.1); short protein forms L36F.
Identifiers: ClinVar variation 1415140 (VCV001415140.5), dbSNP rs2106369733, ClinGen allele CA350634331.

ClinVar aggregate classification (germline): Uncertain significance (1 of 4 stars; one submission).

Conditions:
Cernunnos-XLF deficiency (IMD124). Also called: SCID, AUTOSOMAL RECESSIVE, T CELL-NEGATIVE, B CELL-NEGATIVE, NK CELL-POSITIVE, WITH MICROCEPHALY, GROWTH RETARDATION, AND SENSITIVITY TO IONIZING RADIATION; NHEJ1 SYNDROME; Severe combined immunodeficiency with sensitivity to ionizing radiation due to NHEJ1 deficiency; SCID, autosomal recessive, T cell-negative, B cell-negative, NK cell-positive, and sensitivity to ionizing radiation due to NHEJ1 deficiency; IMMUNODEFICIENCY 124, SEVERE COMBINED. Identifiers: Orphanet 169079, MedGen C1969799, MONDO:0012650, OMIM 611291.

Submission:

Labcorp Genetics (formerly Invitae), Labcorp
Classification: Uncertain significance for Cernunnos-XLF deficiency. Last evaluated: 2021-09-01. Review status: criteria provided, single submitter. Criteria: Invitae Variant Classification Sherloc (09022015). Collection method: clinical testing. Allele origin: germline.
Comment: This sequence change replaces leucine with phenylalanine at codon 36 of the NHEJ1 protein (p.Leu36Phe). The leucine residue is moderately conserved and there is a small physicochemical difference between leucine and phenylalanine. This variant is not present in population databases (ExAC no frequency). This variant has not been reported in the literature in individuals affected with NHEJ1-related conditions. Algorithms developed to predict the effect of missense changes on protein structure and function are either unavailable or do not agree on the potential impact of this missense change (SIFT: "Deleterious"; PolyPhen-2: "Benign"; Align-GVGD: "Class C0"). In summary, the available evidence is currently insufficient to determine the role of this variant in disease. Therefore, it has been classified as a Variant of Uncertain Significance.